The following is an entry in ClinVar:

ClinVar aggregate classification (germline): Benign/Likely benign. Review status: criteria provided, multiple submitters, no conflicts (2 of 4 stars). 3 submissions from 3 submitters: Benign (1); Likely benign (2). Last evaluated 2025-08-15.

Conditions:
RP1L1-related disorder. Also called: RP1L1-related condition.

Allele frequency attached by ClinVar (database versions not stated): TOPMed 0.00010; ESP Exome Variant Server 0.00032; 1000 Genomes Project 30x 0.00047; 1000 Genomes Project 0.00060; gnomAD 0.00144 and 0.00152; ExAC 0.00150.
gnomAD v4.1: 1,343 of 1,614,158 alleles (0.083%); highest among the groups gnomAD compares: Non-Finnish European, 0.018%; 10 homozygotes.

Submissions (3):

PreventionGenetics, part of Exact Sciences
Classification: Likely benign for RP1L1-related condition. Last evaluated: 2025-08-15. Review status: criteria provided, single submitter. Criteria: ACMG Guidelines, 2015. Collection method: clinical testing. Allele origin: germline.
Comment: This variant is classified as likely benign based on ACMG/AMP sequence variant interpretation guidelines (Richards et al. 2015 PMID: 25741868, with internal and published modifications).

Labcorp Genetics (formerly Invitae), Labcorp
Classification: Benign. Last evaluated: 2025-01-06. Review status: criteria provided, single submitter. Criteria: Invitae Variant Classification Sherloc (09022015). Collection method: clinical testing. Allele origin: germline.

Blueprint Genetics
Classification: Likely benign. Last evaluated: 2024-11-14. Review status: criteria provided, single submitter. Criteria: ACMG Guidelines, 2015. Collection method: clinical testing. Allele origin: germline.

NM_178857.6(RP1L1):c.169G>A (p.Ala57Thr)

Gene: RP1L1 (RP1 like 1). Cytogenetic location: 8p23.1.
Variant type: single nucleotide variant.
Coding change: c.169G>A on transcript NM_178857.6 (MANE Select); coding-DNA position 169, G replaced by A.
Protein change: p.Ala57Thr; replaces alanine 57 with threonine.
Molecular consequence: missense variant.
Genome position (GRCh38, 1-based): chr8:10,623,033, C>T on the plus strand (G>A on the coding strand, the complement: RP1L1 is on the minus strand). VCF-style: chr8-10623033-C-T. GRCh37 (hg19) VCF-style: chr8-10480543-C-T.
Other names: c.169G>A (NM_178857.5); short protein forms A57T.
Identifiers: ClinVar variation 1587393 (VCV001587393.10), dbSNP rs200493737, ClinGen allele CA4625843.